The following is an entry in ClinVar:

ClinVar aggregate classification (germline): Uncertain significance. Review status: criteria provided, multiple submitters, no conflicts (2 of 4 stars). 2 submissions from 2 submitters: Uncertain significance (2). Last evaluated 2021-03-29.

Conditions:
Hereditary cancer-predisposing syndrome. Also called: Tumor predisposition; Neoplastic Syndromes, Hereditary; Hereditary neoplastic syndrome; Hereditary Cancer Syndrome. Identifiers: Orphanet 140162, MedGen C0027672, MeSH D009386, MONDO:0015356.

gnomAD v4.1: 1 of 1,592,376 alleles (0.000063%); highest among the groups gnomAD compares: Non-Finnish European, 0.000085%; no homozygotes.

Submissions (2):

Ambry Genetics
Classification: Uncertain significance for Hereditary cancer-predisposing syndrome. Last evaluated: 2021-03-29. Review status: criteria provided, single submitter. Criteria: Ambry Variant Classification Scheme 2023. Collection method: clinical testing. Allele origin: germline.
Comment: The p.S13R variant (also known as c.39C>G), located in coding exon 1 of the NTHL1 gene, results from a C to G substitution at nucleotide position 39. The serine at codon 13 is replaced by arginine, an amino acid with dissimilar properties. This amino acid position is poorly conserved in available vertebrate species. In addition, this alteration is predicted to be tolerated by in silico analysis. Since supporting evidence is limited at this time, the clinical significance of this alteration remains unclear.

Labcorp Genetics (formerly Invitae), Labcorp
Classification: Uncertain significance. Last evaluated: 2019-11-05. Review status: criteria provided, single submitter. Criteria: Invitae Variant Classification Sherloc (09022015). Collection method: clinical testing. Allele origin: germline.
Comment: In summary, the available evidence is currently insufficient to determine the role of this variant in disease. Therefore, it has been classified as a Variant of Uncertain Significance. Algorithms developed to predict the effect of missense changes on protein structure and function (SIFT, PolyPhen-2, Align-GVGD) all suggest that this variant is likely to be tolerated, but these predictions have not been confirmed by published functional studies and their clinical significance is uncertain. This variant has not been reported in the literature in individuals with NTHL1-related conditions. This variant is not present in population databases (ExAC no frequency). This sequence change replaces serine with arginine at codon 13 of the NTHL1 protein (p.Ser13Arg). The serine residue is weakly conserved and there is a moderate physicochemical difference between serine and arginine.

NM_002528.7(NTHL1):c.15C>G (p.Ser5Arg)

Gene: NTHL1 (nth like DNA glycosylase 1; minus strand). Cytogenetic location: 16p13.3.
Variant type: single nucleotide variant.
Coding change: c.15C>G on transcript NM_002528.7 (MANE Select); coding-DNA position 15, C replaced by G.
Protein change: p.Ser5Arg; replaces serine 5 with arginine.
Molecular consequence: missense variant. On other transcripts: 5 prime UTR variant (1).
Genome position (GRCh38, 1-based): chr16:2,047,809, G>C on the plus strand (C>G on the coding strand, the complement: NTHL1 is on the minus strand). VCF-style: chr16-2047809-G-C. GRCh37 (hg19) VCF-style: chr16-2097810-G-C.
Other names: c.15C>G, p.Ser5Arg (NM_001318193.2); c.-164C>G (NM_001318194.2); short protein forms S5R.
Identifiers: ClinVar variation 850937 (VCV000850937.10), dbSNP rs1596228346, ClinGen allele CA394298643.
Genomic context (GRCh38, chr16:2,047,809, plus strand): 5'-CCTACACCCCCGCGGCCCAGCCCCGGGTCCCAGGCTCCGGCTCCGGGTCAGCATCCTCGC[G>C]CTCAAGGCGGTCATGCCGGACTCCTGCGGACTACACATCCCGGCGGCCCATGCGGCCCCG-3'
Protein context (NP_002519.2, residues 1-15): MTAL[Ser5Arg]ARMLTRSRSL